The following is an entry in ClinVar:

ClinVar aggregate classification (germline): Conflicting classifications of pathogenicity. Review status: criteria provided, conflicting classifications (1 of 4 stars). 3 submissions from 3 submitters: Uncertain significance (2); Likely benign (1). Last evaluated 2024-04-22.

Conditions:
Hereditary cancer-predisposing syndrome. Also called: Neoplastic Syndromes, Hereditary; Hereditary Cancer Syndrome; Hereditary neoplastic syndrome; Tumor predisposition. Identifiers: Orphanet 140162, MedGen C0027672, MeSH D009386, MONDO:0015356.
Microcephaly, normal intelligence and immunodeficiency (NBS). Also called: Nijmegen breakage syndrome; Microcephaly with normal intelligence immunodeficiency and lymphoreticular malignancies; Nonsyndromal microcephaly autosomal recessive with normal intelligence; Seemanova syndrome 2; Ataxia telangiectasia variant V1; BERLIN BREAKAGE SYNDROME. Identifiers: Orphanet 647, MedGen C0398791, MONDO:0009623, OMIM 251260.

Allele frequency attached by ClinVar (database versions not stated): gnomAD exomes below 0.00001 and 0.00001; ExAC 0.00002.
gnomAD v4.1: 4 of 1,614,044 alleles (0.00025%); highest among the groups gnomAD compares: Non-Finnish European, 0.00017%; no homozygotes.

Submissions (3):

Labcorp Genetics (formerly Invitae), Labcorp
Classification: Uncertain significance for Microcephaly, normal intelligence and immunodeficiency. Last evaluated: 2024-04-22. Review status: criteria provided, single submitter. Criteria: Invitae Variant Classification Sherloc (09022015). Collection method: clinical testing. Allele origin: germline.
Comment: This sequence change replaces glycine, which is neutral and non-polar, with glutamic acid, which is acidic and polar, at codon 267 of the NBN protein (p.Gly267Glu). This variant is present in population databases (rs747837246, gnomAD 0.003%). This variant has not been reported in the literature in individuals affected with NBN-related conditions. ClinVar contains an entry for this variant (Variation ID: 827389). Algorithms developed to predict the effect of missense changes on protein structure and function output the following: SIFT: "Not Available"; PolyPhen-2: "Benign"; Align-GVGD: "Not Available". The glutamic acid amino acid residue is found in multiple mammalian species, which suggests that this missense change does not adversely affect protein function. In summary, the available evidence is currently insufficient to determine the role of this variant in disease. Therefore, it has been classified as a Variant of Uncertain Significance.

Genome-Nilou Lab
Classification: Uncertain significance for Microcephaly, normal intelligence and immunodeficiency. Last evaluated: 2021-11-07. Review status: criteria provided, single submitter. Criteria: ACMG Guidelines, 2015. Collection method: clinical testing. Allele origin: germline. Affected: no.

Ambry Genetics
Classification: Likely benign for Hereditary cancer-predisposing syndrome. Last evaluated: 2019-06-03. Review status: criteria provided, single submitter. Criteria: Ambry Variant Classification Scheme 2023. Collection method: clinical testing. Allele origin: germline.

NM_002485.5(NBN):c.800G>A (p.Gly267Glu)

Gene: NBN (nibrin; minus strand). Cytogenetic location: 8q21.3.
Variant type: single nucleotide variant.
Coding change: c.800G>A on transcript NM_002485.5 (MANE Select); coding-DNA position 800, G replaced by A.
Protein change: p.Gly267Glu; replaces glycine 267 with glutamic acid.
Molecular consequence: missense variant.
Genome position (GRCh38, 1-based): chr8:89,970,460, C>T on the plus strand (G>A on the coding strand, the complement: NBN is on the minus strand). VCF-style: chr8-89970460-C-T. GRCh37 (hg19) VCF-style: chr8-90982688-C-T.
Other names: c.554G>A, p.Gly185Glu (NM_001024688.3); short protein forms G267E, G185E.
Identifiers: ClinVar variation 827389 (VCV000827389.15), dbSNP rs747837246, ClinGen allele CA4802883.